The following is an entry in ClinVar:

NM_001353694.2(TIAM1):c.297A>T (p.Arg99Ser)

Gene: TIAM1 (TIAM Rac1 associated GEF 1; minus strand). Cytogenetic location: 21q22.11.
Variant type: single nucleotide variant.
Coding change: c.297A>T on transcript NM_001353694.2 (MANE Select); coding-DNA position 297, A replaced by T.
Protein change: p.Arg99Ser; replaces arginine 99 with serine.
Molecular consequence: missense variant.
Genome position (GRCh38, 1-based): chr21:31,266,676, T>A on the plus strand (A>T on the coding strand, the complement: TIAM1 is on the minus strand). VCF-style: chr21-31266676-T-A. GRCh37 (hg19) VCF-style: chr21-32638992-T-A.
Other names: c.297A>T, p.Arg99Ser (NM_001353686.2, NM_001353687.2, NM_001353688.1 and 6 more transcripts); short protein forms R99S.
Identifiers: ClinVar variation 4690082 (VCV004690082.1).
Genomic context (GRCh38, chr21:31,266,676, plus strand): 5'-TGTGAGGACGATGCTGCTGTCTACGCTGGGAGTGACAGAAGAGTCAGTGTAAGACACAGG[T>A]CTCAAGCCCATGTCCACTCGGTCCACCCAGATGGGGCTCCCGAAGTCTTCTAGGGTACCA-3'
Protein context (NP_001340623.1, residues 89-109): IWVDRVDMGL[Arg99Ser]PVSYTDSSVT

ClinVar aggregate classification (germline): Uncertain significance (1 of 4 stars; one submission).

Submission:

GeneDx
Classification: Uncertain significance. Last evaluated: 2025-07-27. Review status: criteria provided, single submitter. Criteria: GeneDx Variant Classification Process June 2021. Collection method: clinical testing. Allele origin: germline. Affected: yes.
Comment: Has not been previously published as pathogenic or benign to our knowledge; Not observed at significant frequency in large population cohorts (gnomAD); In silico analysis supports that this missense variant has a deleterious effect on protein structure/function